The following is an entry in ClinVar:

NM_025099.6(CTC1):c.597G>A (p.Thr199=)

Gene: CTC1 (CST telomere replication complex component 1; minus strand). Cytogenetic location: 17p13.1.
Variant type: single nucleotide variant.
Coding change: c.597G>A on transcript NM_025099.6 (MANE Select); coding-DNA position 597, G replaced by A.
Protein change: p.Thr199=; no amino-acid change (threonine 199 retained).
Molecular consequence: synonymous variant. On other transcripts: non-coding transcript variant (1).
Genome position (GRCh38, 1-based): chr17:8,238,081, C>T on the plus strand (G>A on the coding strand, the complement: CTC1 is on the minus strand). VCF-style: chr17-8238081-C-T. GRCh37 (hg19) VCF-style: chr17-8141399-C-T.
Other names: p.Thr199=.
Identifiers: ClinVar variation 459605 (VCV000459605.46), dbSNP rs373023392, ClinGen allele CA8372602.

ClinVar aggregate classification (germline): Conflicting classifications of pathogenicity. Review status: criteria provided, conflicting classifications (1 of 4 stars). 8 submissions from 8 submitters: Uncertain significance (1); Likely benign (7). Last evaluated 2026-01-28.

Conditions:
Dyskeratosis congenita. Identifiers: Orphanet 1775, MedGen C0265965, MONDO:0015780.
Cerebroretinal microangiopathy with calcifications and cysts 1 (CRMCC1). Identifiers: Orphanet 313838, MedGen C4552029, MONDO:0024564, OMIM 612199.

Allele frequency attached by ClinVar (database versions not stated): ESP Exome Variant Server 0.00016; gnomAD 0.00017 and 0.00019; TOPMed 0.00017; gnomAD exomes 0.00019 and 0.00024; ExAC 0.00021.
gnomAD v4.1: 380 of 1,613,984 alleles (0.024%); highest among the groups gnomAD compares: Middle Eastern, 0.15%; 1 homozygote.

Submissions (8):

Labcorp Genetics (formerly Invitae), Labcorp
Classification: Likely benign for Dyskeratosis congenita. Last evaluated: 2026-01-28. Review status: criteria provided, single submitter. Criteria: Invitae Variant Classification Sherloc (09022015). Collection method: clinical testing. Allele origin: germline.

Mayo Clinic Laboratories, Mayo Clinic
Classification: Likely benign. Last evaluated: 2025-01-14. Review status: criteria provided, single submitter. Criteria: ACMG Guidelines, 2015. Collection method: clinical testing. Allele origin: germline. Observed: 1 variant allele.
Comment: BP4, BP7

Blueprint Genetics
Classification: Likely benign. Last evaluated: 2024-11-27. Review status: criteria provided, single submitter. Criteria: ACMG Guidelines, 2015. Collection method: clinical testing. Allele origin: germline.

CeGaT Center for Human Genetics Tuebingen
Classification: Likely benign. Last evaluated: 2022-10-01. Review status: criteria provided, single submitter. Criteria: CeGaT Center For Human Genetics Tuebingen Variant Classification Criteria Version 2. Collection method: clinical testing. Allele origin: germline. Affected: yes. Observed: 1 variant allele.
Comment: CTC1: BP4, BP7

Sema4
Classification: Likely benign for Dyskeratosis congenita. Last evaluated: 2021-10-19. Review status: criteria provided, single submitter. Criteria: Sema4 Curation Guidelines. Collection method: curation. Allele origin: germline.

Genetic Services Laboratory, University of Chicago
Classification: Likely benign. Last evaluated: 2021-08-04. Review status: criteria provided, single submitter. Criteria: ACMG Guidelines, 2015. Collection method: clinical testing. Allele origin: germline. Affected: no.

Genome-Nilou Lab
Classification: Likely benign for Cerebroretinal microangiopathy with calcifications and cysts 1. Last evaluated: 2021-07-15. Review status: criteria provided, single submitter. Criteria: ACMG Guidelines, 2015. Collection method: clinical testing. Allele origin: germline. Affected: no.

Illumina Laboratory Services, Illumina
Classification: Uncertain significance for Dyskeratosis congenita. Last evaluated: 2018-01-12. Review status: criteria provided, single submitter. Criteria: ICSL Variant Classification Criteria 13 December 2019. Collection method: clinical testing. Allele origin: germline.